The following is an entry in ClinVar:

ClinVar aggregate classification (germline): Uncertain significance. Review status: criteria provided, multiple submitters, no conflicts (2 of 4 stars). 2 submissions from 2 submitters: Uncertain significance (2). Last evaluated 2025-04-26.

Conditions:
Parkinson disease 18, autosomal dominant, susceptibility to. Identifiers: Orphanet 411602, MedGen C3280271, MONDO:0013653, OMIM 614251.

Submissions (2):

Foundation for Research in Genetics and Endocrinology, FRIGE's Institute of Human Genetics
Classification: Uncertain significance for Parkinson disease 18, autosomal dominant, susceptibility to. Last evaluated: 2025-04-26. Review status: criteria provided, single submitter. Criteria: ACMG Guidelines, 2015. Collection method: clinical testing. Allele origin: germline. Inheritance: Autosomal dominant inheritance. Affected: yes. Observed: 1 heterozygote.
Comment: A heterozygous missense variant in exon 23 of the EIF4G1 gene that results in an amino acid substitution of Histidine for Proline at codon 1131 was detected. The observed variant c.3392C>A (p.Pro1131His) has not been reported in the 1000 genomes but has a MAF of 0.00007% in the gnomAD databases. The in-silico prediction of the variant are possibly damaging by SIFT and MutationTaster with a CADD score of 25.6. This variant has previously been reported in the ClinVar database (ID: VCV002689012.1). The reference codon is conserved across species. In summary, the variant meets our criteria to be classified as the variant of uncertain significance.

Revvity Omics, Revvity
Classification: Uncertain significance. Last evaluated: 2021-11-18. Review status: criteria provided, single submitter. Criteria: ACMG Guidelines, 2015. Collection method: clinical testing. Allele origin: germline.

NM_198241.3(EIF4G1):c.3392C>A (p.Pro1131His)

Gene: EIF4G1 (eukaryotic translation initiation factor 4 gamma 1; plus strand). Cytogenetic location: 3q27.1.
Variant type: single nucleotide variant.
Coding change: c.3392C>A on transcript NM_198241.3 (MANE Select); coding-DNA position 3392, C replaced by A.
Protein change: p.Pro1131His; replaces proline 1131 with histidine.
Molecular consequence: missense variant.
Genome position (GRCh38, 1-based): chr3:184,326,947, C>A. VCF-style: chr3-184326947-C-A. GRCh37 (hg19) VCF-style: chr3-184044735-C-A.
Other names: p.Pro1131His; c.3413C>A, p.Pro1138His (NM_001194946.2, NM_001194947.2); c.3272C>A, p.Pro1091His (NM_001291157.2); c.2807C>A, p.Pro936His (NM_004953.5); c.3395C>A, p.Pro1132His (NM_182917.4); c.2900C>A, p.Pro967His (NM_198242.3); c.3131C>A, p.Pro1044His (NM_198244.3); short protein forms P1044H, P1091H, P1131H, P1132H, P1138H, P936H, P967H.
Identifiers: ClinVar variation 2689012 (VCV002689012.2), dbSNP rs2474110081, ClinGen allele CA355413418.